The following is an entry in ClinVar:

NM_153704.6(TMEM67):c.2301del (p.Asp768fs)

Gene: TMEM67 (transmembrane protein 67; plus strand). Cytogenetic location: 8q22.1.
Variant type: Deletion.
Coding change: c.2301del on transcript NM_153704.6 (MANE Select); coding-DNA position 2301, one base deleted (T; older notation c.2301delT).
Protein change: p.Asp768fs; shifts the reading frame from aspartic acid 768.
Molecular consequence: frameshift variant. On other transcripts: non-coding transcript variant (1).
Genome position (GRCh38, 1-based): chr8:93,803,663, T deleted; the last of 2 consecutive T bases (chr8:93,803,662-93,803,663); deleting either gives the same sequence. VCF-style (leftmost placement, unchanged base first): chr8-93803661-GT-G. GRCh37 (hg19) VCF-style: chr8-94815889-GT-G.
Other names: c.2301delT (NM_153704.5); c.2058del, p.Asp687fs (NM_001142301.1); short protein forms D768fs, D687fs.
Identifiers: ClinVar variation 56772 (VCV000056772.4), dbSNP rs386834191, ClinGen allele CA144460.

ClinVar aggregate classification (germline): Pathogenic/Likely pathogenic. Review status: no assertion criteria provided (0 of 4 stars). 2 submissions from 2 submitters: Pathogenic (1); Likely pathogenic (1). Last evaluated 2018-09-05.

Conditions:
Meckel syndrome, type 3 (MKS3). Also called: MECKEL-GRUBER SYNDROME, TYPE 3. Identifiers: Orphanet 564, MedGen C1846357, MONDO:0011821, OMIM 607361.

Submissions (2):

Sydney Genome Diagnostics, Children's Hospital Westmead
Classification: Pathogenic for Meckel syndrome, type 3. Last evaluated: 2018-09-05. Review status: no assertion criteria provided. Collection method: clinical testing. Allele origin: unknown. Affected: yes. Observed: 1 variant allele, 1 heterozygote.
Comment: This frameshifting variant (dbSNP: rs386834191) is predicted to create a premature stop codon downstream (p.Asp768Ilefs*5), and may result in a null allele due to nonsense-mediated mRNA decay. This variant has been previously reported in a fetus with Meckel syndrome (Iannicelli et al 2010 Hum Mutat 31:E1319-1331). Other truncating variants downstream have also been reported in fetuses with Meckel syndrome (Iannicelli et al 2010 Hum Mutat 31:E1319-1331; Khaddour et al 2007 Hum Mutat 28:523-524).

Juha Muilu Group; Institute for Molecular Medicine Finland (FIMM)
Classification: Likely pathogenic for Meckel syndrome type 3. Review status: no assertion criteria provided. Collection method: not provided. Allele origin: unknown.
Comment: FinDis database variant: This variant was not found or characterized by our laboratory, data were collected from public sources: see reference
ClinVar note: Converted during submission from probable-pathogenic to Likely pathogenic.